The following is an entry in ClinVar:

ClinVar aggregate classification (germline): Uncertain significance (1 of 4 stars; one submission).

Conditions:
Neuroblastoma, susceptibility to, 3. Also called: ALK-Related Neuroblastic Tumor Susceptibility. Identifiers: Orphanet 635, MedGen C2751681, MONDO:0013083, OMIM 613014.

Allele frequency attached by ClinVar (database versions not stated): gnomAD 0.00001.
gnomAD v4.1: 2 of 1,613,882 alleles (0.00012%); highest among the groups gnomAD compares: African/African-American, 0.0013%; no homozygotes.

Submission:

Labcorp Genetics (formerly Invitae), Labcorp
Classification: Uncertain significance for Neuroblastoma, susceptibility to, 3. Last evaluated: 2025-09-10. Review status: criteria provided, single submitter. Criteria: Invitae Variant Classification Sherloc (09022015). Collection method: clinical testing. Allele origin: germline.
Comment: This sequence change replaces isoleucine, which is neutral and non-polar, with threonine, which is neutral and polar, at codon 723 of the ALK protein (p.Ile723Thr). This variant is not present in population databases (gnomAD no frequency). This variant has not been reported in the literature in individuals affected with ALK-related conditions. ClinVar contains an entry for this variant (Variation ID: 1034785). An algorithm developed to predict the effect of missense changes on protein structure and function (PolyPhen-2) suggests that this variant is likely to be tolerated. In summary, the available evidence is currently insufficient to determine the role of this variant in disease. Therefore, it has been classified as a Variant of Uncertain Significance.

NM_004304.5(ALK):c.2168T>C (p.Ile723Thr)

Gene: ALK (ALK receptor tyrosine kinase; minus strand). Cytogenetic location: 2p23.2.
Variant type: single nucleotide variant.
Coding change: c.2168T>C on transcript NM_004304.5 (MANE Select); coding-DNA position 2168, T replaced by C.
Protein change: p.Ile723Thr; replaces isoleucine 723 with threonine.
Molecular consequence: missense variant.
Genome position (GRCh38, 1-based): chr2:29,251,141, A>G on the plus strand (T>C on the coding strand, the complement: ALK is on the minus strand). VCF-style: chr2-29251141-A-G. GRCh37 (hg19) VCF-style: chr2-29474007-A-G.
Other names: short protein forms I723T.
Identifiers: ClinVar variation 1034785 (VCV001034785.8), dbSNP rs1664804969, ClinGen allele CA346476801.